The following is an entry in ClinVar:

NM_000093.5(COL5A1):c.4148del (p.Pro1383fs)

Gene: COL5A1 (collagen type V alpha 1 chain; plus strand). Cytogenetic location: 9q34.3.
Variant type: Deletion.
Coding change: c.4148del on transcript NM_000093.5 (MANE Select); coding-DNA position 4148, one base deleted (C; older notation c.4148delC).
Protein change: p.Pro1383fs; shifts the reading frame from proline 1383.
Molecular consequence: frameshift variant.
Genome position (GRCh38, 1-based): chr9:134,817,051, C deleted; the last of 2 consecutive C bases (chr9:134,817,050-134,817,051); deleting either gives the same sequence. VCF-style (leftmost placement, unchanged base first): chr9-134817049-AC-A. GRCh37 (hg19) VCF-style: chr9-137708895-AC-A.
Other names: c.4148del, p.Pro1383fs (NM_001278074.1); short protein forms P1383fs.
Identifiers: ClinVar variation 3338865 (VCV003338865.1).

ClinVar aggregate classification (germline): Likely pathogenic (1 of 4 stars; one submission).

Submission:

GeneDx
Classification: Likely pathogenic. Last evaluated: 2024-02-27. Review status: criteria provided, single submitter. Criteria: GeneDx Variant Classification Process June 2021. Collection method: clinical testing. Allele origin: germline. Affected: yes.
Comment: Identified in a patient with clinical features of EDS in published literature (PMID: 10796876); Not observed at significant frequency in large population cohorts (gnomAD); Frameshift variant predicted to result in protein truncation or nonsense mediated decay in a gene for which loss of function is a known mechanism of disease; This variant is associated with the following publications: (PMID: 10796876)